The following is an entry in ClinVar:

NM_024675.4(PALB2):c.695G>A (p.Gly232Asp)

Gene: PALB2 (partner and localizer of BRCA2; minus strand). Cytogenetic location: 16p12.2.
Variant type: single nucleotide variant.
Coding change: c.695G>A on transcript NM_024675.4 (MANE Select); coding-DNA position 695, G replaced by A.
Protein change: p.Gly232Asp; replaces glycine 232 with aspartic acid.
Molecular consequence: missense variant.
Genome position (GRCh38, 1-based): chr16:23,635,851, C>T on the plus strand (G>A on the coding strand, the complement: PALB2 is on the minus strand). VCF-style: chr16-23635851-C-T. GRCh37 (hg19) VCF-style: chr16-23647172-C-T.
Other names: short protein forms G232D.
Identifiers: ClinVar variation 830111 (VCV000830111.2), dbSNP rs1365024903, ClinGen allele CA395136392.

ClinVar aggregate classification (germline): Likely benign. Review status: criteria provided, single submitter (1 of 4 stars). 2 submissions from 2 submitters: Likely benign (1). 1 of the submissions does not count toward it. Last evaluated 2026-06-12.

Conditions:
Hereditary cancer-predisposing syndrome. Also called: Tumor predisposition; Neoplastic Syndromes, Hereditary; Hereditary neoplastic syndrome; Hereditary Cancer Syndrome. Identifiers: Orphanet 140162, MedGen C0027672, MeSH D009386, MONDO:0015356.

Submissions (2):

Ambry Genetics
Classification: Likely benign for Hereditary cancer-predisposing syndrome. Last evaluated: 2026-06-12. Review status: criteria provided, single submitter. Criteria: Ambry Variant Classification Scheme 2023. Collection method: clinical testing. Allele origin: germline.

Leiden Open Variation Database
Classification: Uncertain significance. Last evaluated: 2019-05-13. Review status: no assertion criteria provided. Collection method: curation. Allele origin: germline. Affected: yes. Not counted in ClinVar's aggregate classification.
Comment: Curators: Marc Tischkowitz, Arleen D. Auerbach. Submitter to LOVD: Andreas Laner.